The following is an entry in ClinVar:

NM_006908.5(RAC1):c.340_341delinsCA (p.Gly114Gln)

Gene: RAC1 (Rac family small GTPase 1; plus strand). Cytogenetic location: 7p22.1.
Variant type: Indel.
Coding change: c.340_341delinsCA on transcript NM_006908.5 (MANE Select); coding-DNA positions 340 to 341, GG replaced by CA.
Protein change: p.Gly114Gln; replaces glycine 114 with glutamine.
Molecular consequence: missense variant.
Genome position (GRCh38, 1-based): chr7:6,401,919-6,401,920, GG replaced by CA. VCF-style: chr7-6401919-GG-CA. GRCh37 (hg19) VCF-style: chr7-6441550-GG-CA.
Other names: c.397_398delinsCA, p.Gly133Gln (NM_018890.4); short protein forms G114Q, G133Q.
Identifiers: ClinVar variation 4688310 (VCV004688310.1).

ClinVar aggregate classification (germline): Uncertain significance (1 of 4 stars; one submission).

Submission:

Women's Health and Genetics/Laboratory Corporation of America, LabCorp
Classification: Uncertain significance. Last evaluated: 2025-12-30. Review status: criteria provided, single submitter. Criteria: LabCorp Variant Classification Summary - May 2015. Collection method: clinical testing. Allele origin: germline.
Comment: Variant summary: RAC1 c.397_398delinsCA (p.Gly133Gln) results in a non-conservative amino acid change in the encoded protein sequence. Algorithms developed to predict the effect of missense changes on protein structure and function are either unavailable or do not agree on the potential impact of this missense change. The variant consists of two neighboring single nucleotide variants (SNVs) and these variants were reported (in phase) at a frequency of 4e-06 (i.e. in one carrier) in 251462 control chromosomes (gnomAD). The available data on variant occurrences in the general population are insufficient to allow any conclusion about variant significance. To our knowledge, no occurrence of c.397_398delinsCA in individuals affected with RAC1-related conditions and no experimental evidence demonstrating its impact on protein function have been reported. No submitters have cited clinical-significance assessments for this variant to ClinVar. Based on the evidence outlined above, the variant was classified as uncertain significance.